The following is an entry in ClinVar:

NM_024408.4(NOTCH2):c.5486G>A (p.Cys1829Tyr)

Gene: NOTCH2 (notch receptor 2; minus strand). Cytogenetic location: 1p12.
Variant type: single nucleotide variant.
Coding change: c.5486G>A on transcript NM_024408.4 (MANE Select); coding-DNA position 5486, G replaced by A.
Protein change: p.Cys1829Tyr; replaces cysteine 1829 with tyrosine.
Molecular consequence: missense variant.
Genome position (GRCh38, 1-based): chr1:119,919,607, C>T on the plus strand (G>A on the coding strand, the complement: NOTCH2 is on the minus strand). VCF-style: chr1-119919607-C-T. GRCh37 (hg19) VCF-style: chr1-120462230-C-T.
Other names: c.5486G>A (NM_024408.3); short protein forms C1829Y.
Identifiers: ClinVar variation 3583477 (VCV003583477.2).

ClinVar aggregate classification (germline): Uncertain significance. Review status: criteria provided, multiple submitters, no conflicts (2 of 4 stars). 2 submissions from 2 submitters: Uncertain significance (2). Last evaluated 2025-02-07.

Conditions:
Alagille syndrome due to a NOTCH2 point mutation. Also called: Alagille syndrome 2. Identifiers: Orphanet 261629, Orphanet 52, MedGen C1857761, MONDO:0012439, OMIM 610205.
Hajdu-Cheney syndrome (HJCYS). Also called: ACROOSTEOLYSIS WITH OSTEOPOROSIS AND CHANGES IN SKULL AND MANDIBLE; SERPENTINE FIBULA-POLYCYSTIC KIDNEY SYNDROME; Acroosteolysis dominant type. Identifiers: Orphanet 955, MedGen C0917715, MONDO:0007057, OMIM 102500.

Submissions (2):

GeneDx
Classification: Uncertain significance. Last evaluated: 2025-02-07. Review status: criteria provided, single submitter. Criteria: GeneDx Variant Classification Process June 2021. Collection method: clinical testing. Allele origin: germline. Affected: yes.
Comment: Not observed at significant frequency in large population cohorts (gnomAD); In silico analysis indicates that this missense variant does not alter protein structure/function; Has not been previously published as pathogenic or benign to our knowledge

Fulgent Genetics
Classification: Uncertain significance for Hajdu-Cheney syndrome; Alagille syndrome due to a NOTCH2 point mutation. Last evaluated: 2024-04-24. Review status: criteria provided, single submitter. Criteria: ACMG Guidelines, 2015. Collection method: clinical testing. Allele origin: germline.